The following is an entry in ClinVar:

NM_015103.3(PLXND1):c.2162A>G (p.Gln721Arg)

Gene: PLXND1 (plexin D1; minus strand). Cytogenetic location: 3q22.1.
Variant type: single nucleotide variant.
Coding change: c.2162A>G on transcript NM_015103.3 (MANE Select); coding-DNA position 2162, A replaced by G.
Protein change: p.Gln721Arg; replaces glutamine 721 with arginine.
Molecular consequence: missense variant.
Genome position (GRCh38, 1-based): chr3:129,583,646, T>C on the plus strand (A>G on the coding strand, the complement: PLXND1 is on the minus strand). VCF-style: chr3-129583646-T-C. GRCh37 (hg19) VCF-style: chr3-129302489-T-C.
Other names: short protein forms Q721R.
Identifiers: ClinVar variation 712509 (VCV000712509.7), dbSNP rs141945118, ClinGen allele CA2609124.

ClinVar aggregate classification (germline): Benign/Likely benign. Review status: criteria provided, multiple submitters, no conflicts (2 of 4 stars). 3 submissions from 3 submitters: Benign (1); Likely benign (1). 1 of the submissions does not count toward it. Last evaluated 2026-07-01.

Conditions:
PLXND1-related disorder. Also called: PLXND1-related condition.

Allele frequency attached by ClinVar (database versions not stated): gnomAD exomes 0.00037 and 0.00109; ExAC 0.00151; 1000 Genomes Project 30x 0.00312; 1000 Genomes Project 0.00339; gnomAD 0.00437 and 0.00476; ESP Exome Variant Server 0.00438; TOPMed 0.00449.
gnomAD v4.1: 1,222 of 1,612,610 alleles (0.076%); highest among the groups gnomAD compares: African/African-American, 1.4%; 7 homozygotes.

Submissions (3):

CeGaT Center for Human Genetics Tuebingen
Classification: Likely benign. Last evaluated: 2026-07-01. Review status: criteria provided, single submitter. Criteria: CeGaT Center For Human Genetics Tuebingen Variant Classification Criteria Version 2. Collection method: clinical testing. Allele origin: germline. Affected: yes. Observed: 1 variant allele.
Comment: PLXND1: BP4, BS1

Labcorp Genetics (formerly Invitae), Labcorp
Classification: Benign. Last evaluated: 2019-12-31. Review status: criteria provided, single submitter. Criteria: Invitae Variant Classification Sherloc (09022015). Collection method: clinical testing. Allele origin: germline.

PreventionGenetics, part of Exact Sciences
Classification: Benign for PLXND1-related condition. Last evaluated: 2019-03-21. Review status: no assertion criteria provided. Collection method: clinical testing. Allele origin: germline. Not counted in ClinVar's aggregate classification.
Comment: This variant is classified as benign based on ACMG/AMP sequence variant interpretation guidelines (Richards et al. 2015 PMID: 25741868, with internal and published modifications).